The following is an entry in ClinVar:

ClinVar aggregate classification (germline): Uncertain significance. Review status: criteria provided, multiple submitters, no conflicts (2 of 4 stars). 2 submissions from 2 submitters: Uncertain significance (2). Last evaluated 2025-05-18.

Conditions:
Cryopyrin associated periodic syndrome (CAPS). Identifiers: Orphanet 208650, MedGen C2316212, MONDO:0016168.

Submissions (2):

Labcorp Genetics (formerly Invitae), Labcorp
Classification: Uncertain significance for Cryopyrin associated periodic syndrome. Last evaluated: 2025-05-18. Review status: criteria provided, single submitter. Criteria: Invitae Variant Classification Sherloc (09022015). Collection method: clinical testing. Allele origin: germline.
Comment: This sequence change replaces leucine, which is neutral and non-polar, with valine, which is neutral and non-polar, at codon 984 of the NLRP3 protein (p.Leu984Val). This variant is not present in population databases (gnomAD no frequency). This variant has not been reported in the literature in individuals affected with NLRP3-related conditions. ClinVar contains an entry for this variant (Variation ID: 1498355). Invitae Evidence Modeling of protein sequence and biophysical properties (such as structural, functional, and spatial information, amino acid conservation, physicochemical variation, residue mobility, and thermodynamic stability) indicates that this missense variant is not expected to disrupt NLRP3 protein function with a negative predictive value of 95%. In summary, the available evidence is currently insufficient to determine the role of this variant in disease. Therefore, it has been classified as a Variant of Uncertain Significance.

GeneDx
Classification: Uncertain significance. Last evaluated: 2022-05-13. Review status: criteria provided, single submitter. Criteria: GeneDx Variant Classification Process June 2021. Collection method: clinical testing. Allele origin: germline. Affected: yes.
Comment: Also known as p.L982V; Has not been previously published as pathogenic or benign to our knowledge; Not observed at significant frequency in large population cohorts (gnomAD); In silico analysis supports that this missense variant does not alter protein structure/function

NM_001243133.2(NLRP3):c.2944C>G (p.Leu982Val)

Gene: NLRP3 (NLR family pyrin domain containing 3; plus strand). Cytogenetic location: 1q44.
Variant type: single nucleotide variant.
Coding change: c.2944C>G on transcript NM_001243133.2 (MANE Select); coding-DNA position 2944, C replaced by G.
Protein change: p.Leu982Val; replaces leucine 982 with valine.
Molecular consequence: missense variant.
Genome position (GRCh38, 1-based): chr1:247,444,760, C>G. VCF-style: chr1-247444760-C-G. GRCh37 (hg19) VCF-style: chr1-247608062-C-G.
Other names: c.2944C>G, p.Leu982Val (NM_001079821.3); c.2773C>G, p.Leu925Val (NM_001127461.3, NM_001127462.3); c.2950C>G, p.Leu984Val (NM_004895.5); c.2602C>G, p.Leu868Val (NM_183395.3); short protein forms L868V, L984V, L925V, L982V.
Identifiers: ClinVar variation 1498355 (VCV001498355.9), dbSNP rs1572229891, ClinGen allele CA345565714.